The following is an entry in ClinVar:

NM_030665.4(RAI1):c.4815C>T (p.Asp1605=)

Gene: RAI1 (retinoic acid induced 1; plus strand). Cytogenetic location: 17p11.2.
Variant type: single nucleotide variant.
Coding change: c.4815C>T on transcript NM_030665.4 (MANE Select); coding-DNA position 4815, C replaced by T.
Protein change: p.Asp1605=; no amino-acid change (aspartic acid 1605 retained).
Molecular consequence: synonymous variant.
Genome position (GRCh38, 1-based): chr17:17,797,763, C>T. VCF-style: chr17-17797763-C-T. GRCh37 (hg19) VCF-style: chr17-17701077-C-T.
Other names: c.4815C>T (NM_030665.3).
Identifiers: ClinVar variation 1586951 (VCV001586951.9), dbSNP rs1459948254, ClinGen allele CA498425835.

ClinVar aggregate classification (germline): Likely benign. Review status: criteria provided, single submitter (1 of 4 stars). 2 submissions from 2 submitters: Likely benign (1). 1 of the submissions does not count toward it. Last evaluated 2025-03-25.

Conditions:
RAI1-related disorder. Also called: RAI1-related condition.

Allele frequency attached by ClinVar (database versions not stated): gnomAD exomes below 0.00001 and 0.00001.
gnomAD v4.1: 6 of 1,614,094 alleles (0.00037%); highest among the groups gnomAD compares: South Asian, 0.0011%; no homozygotes.

Submissions (2):

Labcorp Genetics (formerly Invitae), Labcorp
Classification: Likely benign. Last evaluated: 2025-03-25. Review status: criteria provided, single submitter. Criteria: Invitae Variant Classification Sherloc (09022015). Collection method: clinical testing. Allele origin: germline.

PreventionGenetics, part of Exact Sciences
Classification: Likely benign for RAI1-related condition. Last evaluated: 2024-06-06. Review status: no assertion criteria provided. Collection method: clinical testing. Allele origin: germline. Not counted in ClinVar's aggregate classification.
Comment: This variant is classified as likely benign based on ACMG/AMP sequence variant interpretation guidelines (Richards et al. 2015 PMID: 25741868, with internal and published modifications).